The following is an entry in ClinVar:

ClinVar aggregate classification (germline): Benign/Likely benign. Review status: criteria provided, multiple submitters, no conflicts (2 of 4 stars). 6 submissions from 6 submitters: Benign (1); Likely benign (4). 1 of the submissions does not count toward it. Last evaluated 2025-12-10.

Conditions:
Hereditary cancer-predisposing syndrome. Also called: Tumor predisposition; Hereditary Cancer Syndrome; Hereditary neoplastic syndrome; Neoplastic Syndromes, Hereditary. Identifiers: Orphanet 140162, MedGen C0027672, MeSH D009386, MONDO:0015356.
Familial cancer of breast. Also called: BREAST CANCER, FAMILIAL; hereditary breast carcinoma; Hereditary breast cancer. Identifiers: Orphanet 227535, MedGen C0346153, MONDO:0016419, OMIM 114480. Disease mechanism: loss of function.
Fanconi anemia complementation group J. Also called: BRIP1-Related Fanconi Anemia. Identifiers: Orphanet 84, MedGen C1836860, MONDO:0012187, OMIM 609054.

Allele frequency attached by ClinVar (database versions not stated): TOPMed below 0.00001; gnomAD 0.00001; gnomAD exomes 0.00001 and 0.00004; ExAC 0.00002.
gnomAD v4.1: 24 of 1,613,300 alleles (0.0015%); highest among the groups gnomAD compares: East Asian, 0.033%; no homozygotes.

Submissions (6):

Labcorp Genetics (formerly Invitae), Labcorp
Classification: Likely benign for Familial cancer of breast; Fanconi anemia complementation group J. Last evaluated: 2025-12-10. Review status: criteria provided, single submitter. Criteria: Invitae Variant Classification Sherloc (09022015). Collection method: clinical testing. Allele origin: germline.

Myriad Genetics, Inc.
Classification: Benign for Familial cancer of breast. Last evaluated: 2024-08-26. Review status: criteria provided, single submitter. Criteria: Myriad Autosomal Dominant, Autosomal Recessive and X-Linked Classification Criteria (2023). Collection method: clinical testing. Allele origin: unknown.
Comment: This variant is considered benign. This variant is a silent/synonymous amino acid change and it is not expected to impact splicing.

GeneDx
Classification: Likely benign. Last evaluated: 2018-08-13. Review status: criteria provided, single submitter. Criteria: GeneDx Variant Classification Process June 2021. Collection method: clinical testing. Allele origin: germline. Affected: yes.

Ambry Genetics
Classification: Likely benign for Hereditary cancer-predisposing syndrome. Last evaluated: 2017-09-26. Review status: criteria provided, single submitter. Criteria: Ambry Variant Classification Scheme 2023. Collection method: clinical testing. Allele origin: germline.

Color Diagnostics, LLC DBA Color Health
Classification: Likely benign for Hereditary cancer-predisposing syndrome. Last evaluated: 2016-12-09. Review status: criteria provided, single submitter. Criteria: ACMG Guidelines, 2015. Collection method: clinical testing. Allele origin: germline.

Leiden Open Variation Database
Classification: Benign. Last evaluated: 2019-08-13. Review status: no assertion criteria provided. Collection method: curation. Allele origin: germline. Affected: yes. Not counted in ClinVar's aggregate classification.
Comment: Curator: Arleen D. Auerbach. Submitter to LOVD: Yukihide Momozawa.

Literature cited by the submitters: PubMed 31214711 (cited by Leiden Open Variation Database).

NM_032043.3(BRIP1):c.1194C>T (p.Ile398=)

Gene: BRIP1 (BRCA1 interacting DNA helicase 1; minus strand). Cytogenetic location: 17q23.2.
Variant type: single nucleotide variant.
Coding change: c.1194C>T on transcript NM_032043.3 (MANE Select); coding-DNA position 1194, C replaced by T.
Protein change: p.Ile398=; no amino-acid change (isoleucine 398 retained).
Molecular consequence: synonymous variant.
Genome position (GRCh38, 1-based): chr17:61,799,246, G>A on the plus strand (C>T on the coding strand, the complement: BRIP1 is on the minus strand). VCF-style: chr17-61799246-G-A. GRCh37 (hg19) VCF-style: chr17-59876607-G-A.
Identifiers: ClinVar variation 183777 (VCV000183777.22), dbSNP rs757427498, ClinGen allele CA186440.